The following is an entry in ClinVar:

ClinVar aggregate classification (germline): Uncertain significance (1 of 4 stars; one submission).

Allele frequency attached by ClinVar (database versions not stated): TOPMed 0.00001.

Submission:

Labcorp Genetics (formerly Invitae), Labcorp
Classification: Uncertain significance. Last evaluated: 2022-10-27. Review status: criteria provided, single submitter. Criteria: Invitae Variant Classification Sherloc (09022015). Collection method: clinical testing. Allele origin: germline.
Comment: Algorithms developed to predict the effect of missense changes on protein structure and function are either unavailable or do not agree on the potential impact of this missense change (SIFT: "Tolerated"; PolyPhen-2: "Possibly Damaging"; Align-GVGD: "Class C0"). In summary, the available evidence is currently insufficient to determine the role of this variant in disease. Therefore, it has been classified as a Variant of Uncertain Significance. This variant has not been reported in the literature in individuals affected with TNFRSF6B-related conditions. This variant is not present in population databases (gnomAD no frequency). This sequence change replaces glutamic acid, which is acidic and polar, with glycine, which is neutral and non-polar, at codon 289 of the TNFRSF6B protein (p.Glu289Gly).

NM_003823.4(TNFRSF6B):c.866A>G (p.Glu289Gly)

Genes: RTEL1-TNFRSF6B (RTEL1-TNFRSF6B readthrough (NMD candidate); plus strand), TNFRSF6B (TNF receptor superfamily member 6b; plus strand). Cytogenetic location: 20q13.33.
Variant type: single nucleotide variant.
Coding change: c.866A>G on transcript NM_003823.4 (MANE Select); coding-DNA position 866, A replaced by G.
Protein change: p.Glu289Gly; replaces glutamic acid 289 with glycine.
Molecular consequence: missense variant. On other transcripts: non-coding transcript variant (1).
Genome position (GRCh38, 1-based): chr20:63,698,526, A>G. VCF-style: chr20-63698526-A-G. GRCh37 (hg19) VCF-style: chr20-62329879-A-G.
Other names: short protein forms E289G.
Identifiers: ClinVar variation 1722240 (VCV001722240.6), dbSNP rs2091037039, ClinGen allele CA409712282.